The following is an entry in ClinVar:

ClinVar aggregate classification (germline): Uncertain significance (1 of 4 stars; one submission).

gnomAD v4.1: 2 of 1,613,452 alleles (0.00012%); highest among the groups gnomAD compares: Non-Finnish European, 0.00017%; no homozygotes.

Submission:

CeGaT Center for Human Genetics Tuebingen
Classification: Uncertain significance. Last evaluated: 2026-03-01. Review status: criteria provided, single submitter. Criteria: CeGaT Center For Human Genetics Tuebingen Variant Classification Criteria Version 2. Collection method: clinical testing. Allele origin: germline. Affected: yes. Observed: 1 variant allele.
Comment: C3: PM2, PP2, BP4

NM_000064.4(C3):c.4248T>A (p.Asp1416Glu)

Gene: C3 (complement C3; minus strand). Cytogenetic location: 19p13.3.
Variant type: single nucleotide variant.
Coding change: c.4248T>A on transcript NM_000064.4 (MANE Select); coding-DNA position 4248, T replaced by A.
Protein change: p.Asp1416Glu; replaces aspartic acid 1416 with glutamic acid.
Molecular consequence: missense variant.
Genome position (GRCh38, 1-based): chr19:6,682,154, A>T on the plus strand (T>A on the coding strand, the complement: C3 is on the minus strand). VCF-style: chr19-6682154-A-T. GRCh37 (hg19) VCF-style: chr19-6682165-A-T.
Other names: short protein forms D1416E.
Identifiers: ClinVar variation 4823614 (VCV004823614.4).